The following is an entry in ClinVar:

NM_001364905.1(LRBA):c.4855G>T (p.Val1619Leu)

Gene: LRBA (LPS responsive beige-like anchor protein; minus strand). Cytogenetic location: 4q31.3.
Variant type: single nucleotide variant.
Coding change: c.4855G>T on transcript NM_001364905.1 (MANE Select); coding-DNA position 4855, G replaced by T.
Protein change: p.Val1619Leu; replaces valine 1619 with leucine.
Molecular consequence: missense variant.
Genome position (GRCh38, 1-based): chr4:150,828,496, C>A on the plus strand (G>T on the coding strand, the complement: LRBA is on the minus strand). VCF-style: chr4-150828496-C-A. GRCh37 (hg19) VCF-style: chr4-151749648-C-A.
Other names: c.4855G>T, p.Val1619Leu (NM_001199282.3, NM_001367550.1, NM_006726.5); short protein forms V1619L.
Identifiers: ClinVar variation 576122 (VCV000576122.8), dbSNP rs143883830, ClinGen allele CA3102631.

ClinVar aggregate classification (germline): Uncertain significance. Review status: criteria provided, multiple submitters, no conflicts (2 of 4 stars). 2 submissions from 2 submitters: Uncertain significance (2). Last evaluated 2022-10-17.

Conditions:
Inborn genetic diseases. Identifiers: MedGen C0950123, MeSH D030342.
Combined immunodeficiency due to LRBA deficiency. Also called: Common variable immunodeficiency 8, with autoimmunity. Identifiers: Orphanet 445018, MedGen C3553512, MONDO:0013863, OMIM 614700.

Allele frequency attached by ClinVar (database versions not stated): ExAC 0.00019; TOPMed 0.00049; gnomAD 0.00052 and 0.00060; gnomAD exomes 0.00004 and 0.00014; ESP Exome Variant Server 0.00062.
gnomAD v4.1: 135 of 1,614,024 alleles (0.0084%); highest among the groups gnomAD compares: African/African-American, 0.17%; no homozygotes.

Submissions (2):

Labcorp Genetics (formerly Invitae), Labcorp
Classification: Uncertain significance for Combined immunodeficiency due to LRBA deficiency. Last evaluated: 2022-10-17. Review status: criteria provided, single submitter. Criteria: Invitae Variant Classification Sherloc (09022015). Collection method: clinical testing. Allele origin: germline.
Comment: This sequence change replaces valine, which is neutral and non-polar, with leucine, which is neutral and non-polar, at codon 1619 of the LRBA protein (p.Val1619Leu). This variant is present in population databases (rs143883830, gnomAD 0.2%). This variant has not been reported in the literature in individuals affected with LRBA-related conditions. ClinVar contains an entry for this variant (Variation ID: 576122). Algorithms developed to predict the effect of missense changes on protein structure and function output the following: SIFT: "Tolerated"; PolyPhen-2: "Benign"; Align-GVGD: "Class C0". The leucine amino acid residue is found in multiple mammalian species, which suggests that this missense change does not adversely affect protein function. In summary, the available evidence is currently insufficient to determine the role of this variant in disease. Therefore, it has been classified as a Variant of Uncertain Significance.

Ambry Genetics
Classification: Uncertain significance for Inborn genetic diseases. Last evaluated: 2021-10-14. Review status: criteria provided, single submitter. Criteria: Ambry Variant Classification Scheme 2023. Collection method: clinical testing. Allele origin: germline.